The following is an entry in ClinVar:

ClinVar aggregate classification (germline): Likely pathogenic (1 of 4 stars; one submission).

Conditions:
Congenital stationary night blindness 1D. Also called: Night blindness, congenital stationary (complete), 1D, autosomal recessive. Identifiers: Orphanet 215, MedGen C3151193, MONDO:0013450, OMIM 613830.

Submission:

3billion
Classification: Likely pathogenic for Congenital stationary night blindness 1D. Last evaluated: 2024-07-05. Review status: criteria provided, single submitter. Criteria: ACMG Guidelines, 2015. Collection method: clinical testing. Allele origin: germline. Affected: yes.
Comment: The variant is not observed in the gnomAD v4.0.0 dataset. Predicted Consequence/Location: Stop-gained (nonsense): predicted to result in a loss or disruption of normal protein function through nonsense-mediated decay (NMD) or protein truncation. Multiple pathogenic variants are reported downstream of the variant. Therefore, this variant is classified as Likely pathogenic according to the recommendation of ACMG/AMP guideline.

NM_004727.3(SLC24A1):c.2015dup (p.Tyr672Ter)

Gene: SLC24A1 (solute carrier family 24 member 1; plus strand). Cytogenetic location: 15q22.31.
Variant type: Duplication.
Coding change: c.2015dup on transcript NM_004727.3 (MANE Select); coding-DNA position 2015, one base duplicated (A; older notation c.2015dupA).
Protein change: p.Tyr672Ter; replaces tyrosine 672 with a stop codon.
Molecular consequence: nonsense. On other transcripts: intron variant (1).
Genome position (GRCh38, 1-based): chr15:65,639,665, A duplicated. VCF-style (leftmost placement, unchanged base first): chr15-65639664-T-TA. GRCh37 (hg19) VCF-style: chr15-65932002-T-TA.
Other names: c.2015dup, p.Tyr672Ter (NM_001301031.1); c.1961dup, p.Tyr654Ter (NM_001301032.1, NM_001301033.2); c.1891-10717dup (NM_001411142.1); short protein forms Y654*, Y672*.
Identifiers: ClinVar variation 4293250 (VCV004293250.1).
Genomic context (GRCh38, chr15:65,639,664, plus strand): 5'-TTGCTGACCCGAGGGAGCAGCTCGACCTCTCTGCACAACAGCACCATCCGCAGCACCATC[T>TA]ACCAGCTCATGCTCCACAGCCTGGACCCCCTGAGGGAAGGTAAGCAAGGCCTCTCCAGAC-3'